The following is an entry in ClinVar:

NM_032444.4(SLX4):c.398C>T (p.Pro133Leu)

Gene: SLX4 (SLX4 structure-specific endonuclease subunit; minus strand). Cytogenetic location: 16p13.3.
Variant type: single nucleotide variant.
Coding change: c.398C>T on transcript NM_032444.4 (MANE Select); coding-DNA position 398, C replaced by T.
Protein change: p.Pro133Leu; replaces proline 133 with leucine.
Molecular consequence: missense variant.
Genome position (GRCh38, 1-based): chr16:3,608,567, G>A on the plus strand (C>T on the coding strand, the complement: SLX4 is on the minus strand). VCF-style: chr16-3608567-G-A. GRCh37 (hg19) VCF-style: chr16-3658568-G-A.
Other names: short protein forms P133L.
Identifiers: ClinVar variation 854480 (VCV000854480.14), dbSNP rs373586019, ClinGen allele CA7866889.

ClinVar aggregate classification (germline): Uncertain significance. Review status: criteria provided, multiple submitters, no conflicts (2 of 4 stars). 5 submissions from 5 submitters: Uncertain significance (5). Last evaluated 2024-09-23.

Conditions:
Fanconi anemia complementation group P. Also called: SLX4-Related Fanconi Anemia. Identifiers: Orphanet 84, MedGen C3469542, MONDO:0013499, OMIM 613951.
Fanconi anemia (FA). Also called: Fanconi's anemia. Identifiers: Orphanet 84, MedGen C0015625, MeSH D005199, MONDO:0019391.

Allele frequency attached by ClinVar (database versions not stated): ExAC 0.00007; gnomAD exomes 0.00007 and 0.00024; gnomAD 0.00011 and 0.00012; TOPMed 0.00012; ESP Exome Variant Server 0.00023.
gnomAD v4.1: 367 of 1,614,032 alleles (0.023%); highest among the groups gnomAD compares: Non-Finnish European, 0.029%; no homozygotes.

Submissions (5):

Blueprint Genetics
Classification: Uncertain significance. Last evaluated: 2024-09-23. Review status: criteria provided, single submitter. Criteria: ACMG Guidelines, 2015. Collection method: clinical testing. Allele origin: germline.

Fulgent Genetics
Classification: Uncertain significance for Fanconi anemia complementation group P. Last evaluated: 2024-06-20. Review status: criteria provided, single submitter. Criteria: ACMG Guidelines, 2015. Collection method: clinical testing. Allele origin: germline.

Labcorp Genetics (formerly Invitae), Labcorp
Classification: Uncertain significance for Fanconi anemia. Last evaluated: 2022-11-01. Review status: criteria provided, single submitter. Criteria: Invitae Variant Classification Sherloc (09022015). Collection method: clinical testing. Allele origin: germline.
Comment: This sequence change replaces proline, which is neutral and non-polar, with leucine, which is neutral and non-polar, at codon 133 of the SLX4 protein (p.Pro133Leu). This variant is present in population databases (rs373586019, gnomAD 0.01%). This variant has not been reported in the literature in individuals affected with SLX4-related conditions. ClinVar contains an entry for this variant (Variation ID: 854480). Algorithms developed to predict the effect of missense changes on protein structure and function output the following: SIFT: "Tolerated"; PolyPhen-2: "Benign"; Align-GVGD: "Class C0". The leucine amino acid residue is found in multiple mammalian species, which suggests that this missense change does not adversely affect protein function. In summary, the available evidence is currently insufficient to determine the role of this variant in disease. Therefore, it has been classified as a Variant of Uncertain Significance.

Institute for Clinical Genetics, University Hospital TU Dresden, University Hospital TU Dresden
Classification: Uncertain significance. Last evaluated: 2021-11-03. Review status: criteria provided, single submitter. Criteria: ACMG Guidelines, 2015. Collection method: clinical testing. Allele origin: germline.

Illumina Laboratory Services, Illumina
Classification: Uncertain significance for Fanconi anemia complementation group P. Last evaluated: 2018-01-13. Review status: criteria provided, single submitter. Criteria: ICSL Variant Classification Criteria 13 December 2019. Collection method: clinical testing. Allele origin: germline.